The following is an entry in ClinVar:

ClinVar aggregate classification (germline): Uncertain significance. Review status: criteria provided, multiple submitters, no conflicts (2 of 4 stars). 2 submissions from 2 submitters: Uncertain significance (2). Last evaluated 2024-03-29.

Allele frequency attached by ClinVar (database versions not stated): gnomAD exomes 0.00001; TOPMed 0.00001.

Submissions (2):

Ambry Genetics
Classification: Uncertain significance. Last evaluated: 2024-03-29. Review status: criteria provided, single submitter. Criteria: Ambry Variant Classification Scheme 2023. Collection method: clinical testing. Allele origin: germline.

Labcorp Genetics (formerly Invitae), Labcorp
Classification: Uncertain significance. Last evaluated: 2020-02-17. Review status: criteria provided, single submitter. Criteria: Invitae Variant Classification Sherloc (09022015). Collection method: clinical testing. Allele origin: germline.
Comment: Algorithms developed to predict the effect of missense changes on protein structure and function are either unavailable or do not agree on the potential impact of this missense change (SIFT: "Deleterious"; PolyPhen-2: "Probably Damaging"; Align-GVGD: "Class C0"). In summary, the available evidence is currently insufficient to determine the role of this variant in disease. Therefore, it has been classified as a Variant of Uncertain Significance. This variant has not been reported in the literature in individuals with KPNA7-related disease. This variant is not present in population databases (ExAC no frequency). This sequence change replaces cysteine with tyrosine at codon 227 of the KPNA7 protein (p.Cys227Tyr). The cysteine residue is highly conserved and there is a large physicochemical difference between cysteine and tyrosine.

NM_001145715.3(KPNA7):c.680G>A (p.Cys227Tyr)

Gene: KPNA7 (karyopherin subunit alpha 7; minus strand). Cytogenetic location: 7q22.1.
Variant type: single nucleotide variant.
Coding change: c.680G>A on transcript NM_001145715.3 (MANE Select); coding-DNA position 680, G replaced by A.
Protein change: p.Cys227Tyr; replaces cysteine 227 with tyrosine.
Molecular consequence: missense variant.
Genome position (GRCh38, 1-based): chr7:99,188,520, C>T on the plus strand (G>A on the coding strand, the complement: KPNA7 is on the minus strand). VCF-style: chr7-99188520-C-T. GRCh37 (hg19) VCF-style: chr7-98786143-C-T.
Other names: short protein forms C227Y.
Identifiers: ClinVar variation 654235 (VCV000654235.8), dbSNP rs1048772061, ClinGen allele CA163745814.